The following is an entry in ClinVar:

ClinVar aggregate classification (germline): Uncertain significance (1 of 4 stars; one submission).

Conditions:
Congenital insensitivity to pain-hypohidrosis syndrome. Also called: HSAN VIII; Neuropathy, hereditary sensory and autonomic, type VIII. Identifiers: Orphanet 478664, MedGen C4225308, MONDO:0014662, OMIM 616488.

Allele frequency attached by ClinVar (database versions not stated): TOPMed below 0.00001.

Submission:

Labcorp Genetics (formerly Invitae), Labcorp
Classification: Uncertain significance for Congenital insensitivity to pain-hypohidrosis syndrome. Last evaluated: 2022-10-17. Review status: criteria provided, single submitter. Criteria: Invitae Variant Classification Sherloc (09022015). Collection method: clinical testing. Allele origin: germline.
Comment: Advanced modeling of protein sequence and biophysical properties (such as structural, functional, and spatial information, amino acid conservation, physicochemical variation, residue mobility, and thermodynamic stability) performed at Invitae indicates that this missense variant is not expected to disrupt PRDM12 protein function. In summary, the available evidence is currently insufficient to determine the role of this variant in disease. Therefore, it has been classified as a Variant of Uncertain Significance. This missense change has been observed in individuals with clinical features of sensory and autonomic neuropathy (PMID: 33884296; Invitae). This variant is not present in population databases (gnomAD no frequency). This sequence change replaces histidine, which is basic and polar, with proline, which is neutral and non-polar, at codon 265 of the PRDM12 protein (p.His265Pro).

Literature cited by the submitters: PubMed 33884296.

NM_021619.3(PRDM12):c.794A>C (p.His265Pro)

Gene: PRDM12 (PR/SET domain 12; plus strand). Cytogenetic location: 9q34.12.
Variant type: single nucleotide variant.
Coding change: c.794A>C on transcript NM_021619.3 (MANE Select); coding-DNA position 794, A replaced by C.
Protein change: p.His265Pro; replaces histidine 265 with proline.
Molecular consequence: missense variant.
Genome position (GRCh38, 1-based): chr9:130,681,359, A>C. VCF-style: chr9-130681359-A-C. GRCh37 (hg19) VCF-style: chr9-133556746-A-C.
Other names: short protein forms H265P.
Identifiers: ClinVar variation 2067805 (VCV002067805.4), dbSNP rs1830898966, ClinGen allele CA375244700.
Genomic context (GRCh38, chr9:130,681,359, plus strand): 5'-GCGTCATCTGCCACCGCGGCTTCAACTCGCGCAGCAACCTGCGCTCGCACATGCGCATCC[A>C]CACGCTGGACAAGCCCTTCGTGTGCCGCTTCTGCAACCGCCGCTTCAGCCAGTCGTCCAC-3'
Protein context (NP_067632.2, residues 255-275): RSNLRSHMRI[His265Pro]TLDKPFVCRF